The following is an entry in ClinVar:

NM_020778.5(ALPK3):c.2584C>T (p.Gln862Ter)

Gene: ALPK3 (alpha kinase 3; plus strand). Cytogenetic location: 15q25.3.
Variant type: single nucleotide variant.
Coding change: c.2584C>T on transcript NM_020778.5 (MANE Select); coding-DNA position 2584, C replaced by T.
Protein change: p.Gln862Ter; replaces glutamine 862 with a stop codon.
Molecular consequence: nonsense.
Genome position (GRCh38, 1-based): chr15:84,857,322, C>T. VCF-style: chr15-84857322-C-T. GRCh37 (hg19) VCF-style: chr15-85400553-C-T.
Other names: short protein forms Q862*.
Identifiers: ClinVar variation 4731456 (VCV004731456.1).

ClinVar aggregate classification (germline): Pathogenic (1 of 4 stars; one submission).

Submission:

Labcorp Genetics (formerly Invitae), Labcorp
Classification: Pathogenic. Last evaluated: 2025-11-18. Review status: criteria provided, single submitter. Criteria: Invitae Variant Classification Sherloc (09022015). Collection method: clinical testing. Allele origin: germline.
Comment: This sequence change creates a premature translational stop signal (p.Gln1064*) in the ALPK3 gene. It is expected to result in an absent or disrupted protein product. Loss-of-function variants in ALPK3 are known to be pathogenic (PMID: 21441111, 26846950, 27106955, 34263907). This variant is not present in population databases (gnomAD no frequency). This variant has not been reported in the literature in individuals affected with ALPK3-related conditions. For these reasons, this variant has been classified as Pathogenic.

Literature cited by the submitters: PubMed 21441111; PubMed 26846950; PubMed 27106955; PubMed 34263907.